The following is an entry in ClinVar:

NM_024301.5(FKRP):c.1378C>T (p.Gln460Ter)

Gene: FKRP (fukutin related protein; plus strand). Cytogenetic location: 19q13.32.
Variant type: single nucleotide variant.
Coding change: c.1378C>T on transcript NM_024301.5 (MANE Select); coding-DNA position 1378, C replaced by T.
Protein change: p.Gln460Ter; replaces glutamine 460 with a stop codon.
Molecular consequence: nonsense.
Genome position (GRCh38, 1-based): chr19:46,756,828, C>T. VCF-style: chr19-46756828-C-T. GRCh37 (hg19) VCF-style: chr19-47260085-C-T.
Other names: c.1378C>T, p.Gln460Ter (NM_001039885.3); short protein forms Q460*.
Identifiers: ClinVar variation 1771221 (VCV001771221.5), dbSNP rs2513999711, ClinGen allele CA406497244.

ClinVar aggregate classification (germline): Pathogenic/Likely pathogenic. Review status: criteria provided, multiple submitters, no conflicts (2 of 4 stars). 2 submissions from 2 submitters: Pathogenic (1); Likely pathogenic (1). Last evaluated 2023-04-16.

Conditions:
Cardiovascular phenotype. Identifiers: MedGen CN230736.
Walker-Warburg congenital muscular dystrophy. Also called: Muscular dystrophy-dystroglycanopathy, type A; Walker-Warburg syndrome. Identifiers: Orphanet 899, MedGen C0265221, MONDO:0000171.

Submissions (2):

Labcorp Genetics (formerly Invitae), Labcorp
Classification: Pathogenic for Walker-Warburg congenital muscular dystrophy. Last evaluated: 2023-04-16. Review status: criteria provided, single submitter. Criteria: Invitae Variant Classification Sherloc (09022015). Collection method: clinical testing. Allele origin: germline.
Comment: For these reasons, this variant has been classified as Pathogenic. This variant disrupts a region of the FKRP protein in which other variant(s) (p.Pro462Ser) have been determined to be pathogenic (PMID: 12666124, 16344347, 30919934). This suggests that this is a clinically significant region of the protein, and that variants that disrupt it are likely to be disease-causing. ClinVar contains an entry for this variant (Variation ID: 1771221). This premature translational stop signal has been observed in individual(s) with congenital muscular dystrophy (PMID: 16476814). This variant is not present in population databases (gnomAD no frequency). This sequence change creates a premature translational stop signal (p.Gln460*) in the FKRP gene. While this is not anticipated to result in nonsense mediated decay, it is expected to disrupt the last 36 amino acid(s) of the FKRP protein.

Ambry Genetics
Classification: Likely pathogenic for Cardiovascular phenotype. Last evaluated: 2019-01-10. Review status: criteria provided, single submitter. Criteria: Ambry Variant Classification Scheme 2023. Collection method: clinical testing. Allele origin: germline.
Comment: The p.Q460* variant (also known as c.1378C>T), located in coding exon 1 of the FKRP gene, results from a C to T substitution at nucleotide position 1378. This changes the amino acid from a glutamine to a stop codon within coding exon 1. This stop codon occurs at the 3' terminus of FKRP, is not expected to trigger nonsense-mediated mRNA decay, and only removes the last 36 amino acids of the protein. The exact functional impact of these removed amino acids is unknown at this time. However, this alteration has been detected in the homozygous state in an individual with congenital muscular dystrophy (Mercuri E et al. Arch. Neurol., 2006 Feb;63:251-7 (reported as C1378T)). This variant was not reported in population-based cohorts in the Genome Aggregation Database (gnomAD). Based on the majority of available evidence to date, this variant is likely to be pathogenic.

Literature cited by the submitters: PubMed 12666124 (cited by Labcorp Genetics (formerly Invitae), Labcorp); PubMed 16344347 (cited by Labcorp Genetics (formerly Invitae), Labcorp); PubMed 30919934 (cited by Labcorp Genetics (formerly Invitae), Labcorp); PubMed 16476814 (cited by Labcorp Genetics (formerly Invitae), Labcorp and Ambry Genetics).